The following is an entry in ClinVar:

NM_001145026.2(PTPRQ):c.2980A>G (p.Met994Val)

Gene: PTPRQ (protein tyrosine phosphatase receptor type Q; plus strand). Cytogenetic location: 12q21.31.
Variant type: single nucleotide variant.
Coding change: c.2980A>G on transcript NM_001145026.2 (MANE Select); coding-DNA position 2980, A replaced by G.
Protein change: p.Met994Val; replaces methionine 994 with valine.
Molecular consequence: missense variant.
Genome position (GRCh38, 1-based): chr12:80,535,032, A>G. VCF-style: chr12-80535032-A-G. GRCh37 (hg19) VCF-style: chr12-80928811-A-G.
Other names: short protein forms M994V.
Identifiers: ClinVar variation 4980943 (VCV004980943.1).

ClinVar aggregate classification (germline): Uncertain significance (1 of 4 stars; one submission).

Conditions:
PTPRQ-related disorder. Also called: PTPRQ-related condition.

gnomAD v4.1: 7 of 1,526,528 alleles (0.00046%); highest among the groups gnomAD compares: Admixed American, 0.0089%; no homozygotes.

Submission:

PreventionGenetics, part of Exact Sciences
Classification: Uncertain significance for PTPRQ-related condition. Last evaluated: 2025-03-11. Review status: criteria provided, single submitter. Criteria: ACMG Guidelines, 2015. Collection method: clinical testing. Allele origin: germline.
Comment: The PTPRQ c.2980A>G is a noncoding alteration. To our knowledge, this variant has not been reported in the literature or in a large population database (gnomAD), indicating this variant is rare. At this time, the clinical significance of this variant is uncertain due to the absence of conclusive functional and genetic evidence.